The following is an entry in ClinVar:

NM_000091.5(COL4A3):c.2593G>A (p.Gly865Ser)

Genes: COL4A3 (collagen type IV alpha 3 chain; plus strand), MFF-DT (MFF divergent transcript; minus strand). Cytogenetic location: 2q36.3.
Variant type: single nucleotide variant.
Coding change: c.2593G>A on transcript NM_000091.5 (MANE Select); coding-DNA position 2593, G replaced by A.
Protein change: p.Gly865Ser; replaces glycine 865 with serine.
Molecular consequence: missense variant.
Genome position (GRCh38, 1-based): chr2:227,282,469, G>A. VCF-style: chr2-227282469-G-A. GRCh37 (hg19) VCF-style: chr2-228147185-G-A.
Other names: c.2593G>A (NM_000091.4); short protein forms G865S.
Identifiers: ClinVar variation 585520 (VCV000585520.18), dbSNP rs1559897190, ClinGen allele CA350850524.

ClinVar aggregate classification (germline): Conflicting classifications of pathogenicity. Review status: criteria provided, conflicting classifications (1 of 4 stars). 7 submissions from 7 submitters: Likely pathogenic (4); Uncertain significance (2). 1 of the submissions does not count toward it. Last evaluated 2026-04-07.

Conditions:
COL4A3-related disorder. Also called: COL4A3-related condition; COL4A3-Related Disorders.
Alport syndrome. Also called: Hemorrhagic familial nephritis; Hemorrhagic hereditary nephritis; Congenital hereditary hematuria. Identifiers: Orphanet 63, MedGen C1567741, MONDO:0018965.
Autosomal dominant Alport syndrome (ATS3A). Also called: Alport syndrome dominant type; Renal failure and sensorineural hearing loss; ALPORT SYNDROME 3A, AUTOSOMAL DOMINANT. Identifiers: Orphanet 63, Orphanet 88918, MedGen C5882663, MONDO:0007086, OMIM 104200.
Hematuria, benign familial, 2 (BFH2). Identifiers: MedGen C5830421, MONDO:0958186, OMIM 620320.
Alport syndrome 3b, autosomal recessive. Identifiers: MedGen C5882699, MONDO:0957811, OMIM 620536.

Submissions (7):

Women's Health and Genetics/Laboratory Corporation of America, LabCorp
Classification: Uncertain significance. Last evaluated: 2026-04-07. Review status: criteria provided, single submitter. Criteria: LabCorp Variant Classification Summary - May 2015. Collection method: clinical testing. Allele origin: germline.
Comment: Variant summary: COL4A3 c.2593G>A (p.Gly865Ser) results in a non-conservative amino acid change in the encoded protein sequence. Algorithms developed to predict the effect of missense changes on protein structure and function all suggest that this variant is likely to be disruptive. The variant was absent in 249542 control chromosomes. The available data on variant occurrences in the general population are insufficient to allow any conclusion about variant significance. To our knowledge, no occurrence of c.2593G>A in individuals affected with COL4A3-related conditions and no experimental evidence demonstrating its impact on protein function have been reported. ClinVar contains an entry for this variant (Variation ID: 585520). Based on the evidence outlined above, the variant was classified as uncertain significance.

GeneDx
Classification: Likely pathogenic. Last evaluated: 2025-09-09. Review status: criteria provided, single submitter. Criteria: GeneDx Variant Classification Process June 2021. Collection method: clinical testing. Allele origin: germline.
Comment: Affects a glycine residue in a Gly-X-Y motif in the triple helical region of the COL4A3 gene, where the majority of pathogenic missense variants occur, and is predicted to disrupt normal protein folding and function (HGMD; PMID: 10752524); Not observed at significant frequency in large population cohorts (gnomAD); In silico analysis supports that this missense variant has a deleterious effect on protein structure/function; Has not been previously published as pathogenic or benign to our knowledge; This variant is associated with the following publications: (PMID: 10752524)

Natera, Inc.
Classification: Likely pathogenic for Alport syndrome. Last evaluated: 2025-08-21. Review status: criteria provided, single submitter. Criteria: Natera Variant Classification Schema (03/2026). Collection method: clinical testing. Allele origin: germline.
Comment: The c.2593G>A variant in COL4A3 is a missense variant predicted to cause substitution of glycine to serine at amino acid 865. This variant is rare in the general population with a frequency below the threshold expected for the associated phenotype(s). This variant is located in a functionally critical region of the protein. Computational prediction algorithms indicate this variant is likely to affect gene or protein function. Given the available evidence, this variant is classified as Likely Pathogenic.

Fulgent Genetics
Classification: Likely pathogenic for Autosomal dominant Alport syndrome; Hematuria, benign familial, 2; Alport syndrome 3b, autosomal recessive. Last evaluated: 2023-12-25. Review status: criteria provided, single submitter. Criteria: ACMG Guidelines, 2015. Collection method: clinical testing. Allele origin: germline.

Labcorp Genetics (formerly Invitae), Labcorp
Classification: Uncertain significance. Last evaluated: 2022-03-26. Review status: criteria provided, single submitter. Criteria: Invitae Variant Classification Sherloc (09022015). Collection method: clinical testing. Allele origin: germline.
Comment: In summary, the available evidence is currently insufficient to determine the role of this variant in disease. Therefore, it has been classified as a Variant of Uncertain Significance. Advanced modeling of protein sequence and biophysical properties (such as structural, functional, and spatial information, amino acid conservation, physicochemical variation, residue mobility, and thermodynamic stability) performed at Invitae indicates that this missense variant is expected to disrupt COL4A3 protein function. ClinVar contains an entry for this variant (Variation ID: 585520). This missense change has been observed in individual(s) with clinical features of COL4A3-related conditions (Invitae). This variant is not present in population databases (gnomAD no frequency). This sequence change replaces glycine, which is neutral and non-polar, with serine, which is neutral and polar, at codon 865 of the COL4A3 protein (p.Gly865Ser).

Athena Diagnostics
Classification: Likely pathogenic. Last evaluated: 2018-04-17. Review status: criteria provided, single submitter. Criteria: Athena Diagnostics Criteria. Collection method: clinical testing. Allele origin: germline.

PreventionGenetics, part of Exact Sciences
Classification: Likely pathogenic for COL4A3-related condition. Last evaluated: 2024-04-26. Review status: no assertion criteria provided. Collection method: clinical testing. Allele origin: germline. Not counted in ClinVar's aggregate classification.
Comment: The COL4A3 c.2593G>A variant is predicted to result in the amino acid substitution p.Gly865Ser. To our knowledge, this variant has not been reported in the literature or in a large population database, indicating this variant is rare. The p.Gly865 residue is located in the conserved triple helical domain, where substitutions of the glycine are usually pathogenic (UniProt residues 43-1438, Hudson et al. 1993. PubMed ID: 8253711). This variant is interpreted as likely pathogenic.